The following is an entry in ClinVar:

NM_003002.4(SDHD):c.242C>T (p.Pro81Leu)

Gene: SDHD (succinate dehydrogenase complex subunit D; plus strand). Cytogenetic location: 11q23.1.
Variant type: single nucleotide variant.
Coding change: c.242C>T on transcript NM_003002.4 (MANE Select); coding-DNA position 242, C replaced by T.
Protein change: p.Pro81Leu; replaces proline 81 with leucine.
Molecular consequence: missense variant. On other transcripts: non-coding transcript variant (1), intron variant (1).
Genome position (GRCh38, 1-based): chr11:112,088,939, C>T. VCF-style: chr11-112088939-C-T. GRCh37 (hg19) VCF-style: chr11-111959663-C-T.
Other names: c.125C>T, p.Pro42Leu (NM_001276504.2); c.242C>T, p.Pro81Leu (NM_001276506.2); c.169+966C>T (NM_001276503.2); short protein forms P81L, P42L.
Identifiers: ClinVar variation 6896 (VCV000006896.53), dbSNP rs80338844, ClinGen allele CA016688.
Genomic context (GRCh38, chr11:112,088,939, plus strand): 5'-CTGCATCTCTCCACTGGACTAGCGAGAGGGTTGTCAGTGTTTTGCTCCTGGGTCTGCTTC[C>T]GGCTGCTTATTTGAATCCTTGCTCTGCGATGGACTATTCCCTGGCTGCAGCCCTCACTCT-3'
Protein context (NP_002993.1, residues 71-91): VVSVLLLGLL[Pro81Leu]AAYLNPCSAM

ClinVar aggregate classification (germline): Pathogenic/Likely pathogenic. Review status: criteria provided, multiple submitters, no conflicts (2 of 4 stars). 27 submissions from 26 submitters: Pathogenic (22); Likely pathogenic (1). 4 of the submissions do not count toward it. Last evaluated 2026-05-04.

Conditions:
Mitochondrial complex 2 deficiency, nuclear type 3. Also called: MITOCHONDRIAL COMPLEX II DEFICIENCY, NUCLEAR TYPE 3. Identifiers: MedGen C5436934, MONDO:0030937, OMIM 619167.
Inherited phaeochromocytoma and paraganglioma excluding NF1.
SDHD-related disorder. Also called: SDHD-related condition.
Pheochromocytoma/paraganglioma syndrome 1. Also called: Paraganglioma - glomus jugulare; PARAGANGLIOMAS, FAMILIAL NONCHROMAFFIN, 1; PGL 1; Paragangliomas familial 1; SDHD-Related Hereditary Paraganglioma-Pheochromocytoma Syndrome; Paragangliomas 1. Identifiers: Orphanet 29072, MedGen C3494181, MONDO:0008192, OMIM 168000.
Carney-Stratakis syndrome. Also called: PARAGANGLIOMA AND GASTROINTESTINAL STROMAL TUMOR. Identifiers: Orphanet 97286, MedGen C1847319, MONDO:0011740, OMIM 606864.
Paragangliomas with sensorineural hearing loss. Identifiers: MedGen C1868633.
Pheochromocytoma. Also called: MAX-Related Hereditary Paraganglioma-Pheochromocytoma Syndrome. Identifiers: Orphanet 29072, MedGen C0031511, MONDO:0008233, OMIM 171300, HP:0002666.
Cowden syndrome 3 (CWS3). Identifiers: Orphanet 201, MedGen CN166604, MONDO:0014045.
Mitochondrial complex II deficiency, nuclear type 1. Also called: SUCCINATE CoQ REDUCTASE DEFICIENCY. Identifiers: Orphanet 3208, MedGen C5700310, MONDO:0100294, OMIM 252011.
Hereditary cancer-predisposing syndrome. Also called: Neoplastic Syndromes, Hereditary; Tumor predisposition; Hereditary Cancer Syndrome; Hereditary neoplastic syndrome. Identifiers: Orphanet 140162, MedGen C0027672, MeSH D009386, MONDO:0015356.
Hereditary pheochromocytoma and paraganglioma. Also called: Hereditary Paraganglioma-Pheochromocytoma Syndromes; Hereditary paragangliomas and pheochromocytomas; Hereditary pheochromocytoma-paraganglioma. Identifiers: Orphanet 29072, MedGen C4274332, MONDO:0017366.

Allele frequency attached by ClinVar (database versions not stated): gnomAD 0.00001; TOPMed 0.00001; gnomAD exomes 0.00002 and 0.00003.
gnomAD v4.1: 49 of 1,613,648 alleles (0.003%); highest among the groups gnomAD compares: Non-Finnish European, 0.0038%; no homozygotes.

Submissions 1 to 9 of 27:

PreventionGenetics, part of Exact Sciences
Classification: Pathogenic for SDHD-related condition. Last evaluated: 2026-05-04. Review status: criteria provided, single submitter. Criteria: ACMG Guidelines, 2015. Collection method: clinical testing. Allele origin: germline.
Comment: The SDHD c.242C>T variant is predicted to result in the amino acid substitution p.Pro81Leu. This variant has been reported in multiple individuals and families with paraganglioma and pheochromocytoma (Baysal et al. 2000. PubMed ID: 10657297; Hensen et al. 2012. PubMed ID: 21348866; Sridhara et al. 2013. PubMed ID: 24436918; Dénes et al. 2015. PubMed ID: 25494863). This variant is reported in 0.0056% of alleles in individuals of Latino descent in gnomAD. In ClinVar, this variant is interpreted as pathogenic and likely pathogenic (Variation ID: 6896). This variant is interpreted as pathogenic.

Labcorp Genetics (formerly Invitae), Labcorp
Classification: Pathogenic for Carney-Stratakis syndrome; Paragangliomas with sensorineural hearing loss; Pheochromocytoma; Cowden syndrome 3. Last evaluated: 2026-01-26. Review status: criteria provided, single submitter. Criteria: Invitae Variant Classification Sherloc (09022015). Collection method: clinical testing. Allele origin: germline.
Comment: This sequence change replaces proline, which is neutral and non-polar, with leucine, which is neutral and non-polar, at codon 81 of the SDHD protein (p.Pro81Leu). This variant is present in population databases (rs80338844, gnomAD 0.006%). This missense change has been observed in individual(s) with head and neck paraganglioma (HNP) or pheochromocytoma (PMID: 10657297, 11391796, 11897817, 15479192, 19454582, 21348866, 21937622, 23433498, 24436918, 25494863). It has also been observed to segregate with disease in related individuals. ClinVar contains an entry for this variant (Variation ID: 6896). Invitae Evidence Modeling of protein sequence and biophysical properties (such as structural, functional, and spatial information, amino acid conservation, physicochemical variation, residue mobility, and thermodynamic stability) indicates that this missense variant is expected to disrupt SDHD protein function with a positive predictive value of 95%. For these reasons, this variant has been classified as Pathogenic.

Ambry Genetics
Classification: Pathogenic for Hereditary cancer-predisposing syndrome. Last evaluated: 2025-12-04. Review status: criteria provided, single submitter. Criteria: Ambry Variant Classification Scheme 2023. Collection method: clinical testing. Allele origin: germline.
Comment: The c.242C>T (p.P81L) alteration is located in exon 3 (coding exon 3) of the SDHD gene. This alteration results from a C to T substitution at nucleotide position 242, causing the proline (P) at amino acid position 81 to be replaced by a leucine (L). Based on data from gnomAD, the T allele has an overall frequency of 0.002% (6/282810) total alleles studied. The highest observed frequency was 0.006% (2/35440) of Latino alleles. This variant has been described in numerous cases of familial paraganglioma/pheochromocytoma (PGL-PCC), multifocal PGL-PCC, and sporadic PGL-PCC (Baysal, 2000; Milunsky, 2001; Baysal, 2002; Astrom, 2003; Shulskaya, 2018; Enr&iacute;quez-Vega, 2019; McCrary, 2019; Richter, 2019; Greenberg, 2020; Smith, 2021) and has been shown to segregate with disease in PGL kindreds (Badenhop, 2001; Yeap, 2011). A study consisting of 170 individuals with SDHD mutations, p.P81L carriers had a significantly lower risk for pheochromocytoma compared to other SDHD mutations (p=0.031) and presented almost exclusively with head/neck PGLs (Andrews, 2018). It is believed that both founder effects and mutation recurrence contribute to the prevalence of this alteration in North America (Baysal, 2002; Astrom, 2003). This amino acid position is highly conserved in available vertebrate species. One study reported that this variant results in an increased succinate:fumarate ratio and decreased SDHD enzymatic activity; although the variant produced a false-negative result using succinate:fumarate ratio in a different study using enzymatic levels as a method for screening for SDH mutations in a tumor with loss of heterozygosity and reduced SDH activity (Canu, 2014; Richter, 2014). This alteration is predicted to be deleterious by in silico analysis. Based on the available evidence, this alteration is classified as pathogenic.

NHS Central & South Genomic Laboratory Hub
Classification: Pathogenic for Inherited phaeochromocytoma and paraganglioma excluding NF1. Last evaluated: 2025-10-21. Review status: criteria provided, single submitter. Criteria: ACMG Guidelines, 2015. Collection method: clinical testing. Allele origin: germline. Affected: yes.

Mayo Clinic Laboratories, Mayo Clinic
Classification: Pathogenic. Last evaluated: 2025-06-16. Review status: criteria provided, single submitter. Criteria: ACMG Guidelines, 2015. Collection method: clinical testing. Allele origin: germline. Observed: 4 variant alleles.
Comment: PP1_strong, PP3_moderate, PP4, PM2_moderate, PS4_moderate

All of Us Research Program, National Institutes of Health
Classification: Pathogenic for Hereditary pheochromocytoma and paraganglioma. Last evaluated: 2024-06-11. Review status: criteria provided, single submitter. Criteria: ACMG Guidelines, 2015. Collection method: clinical testing. Allele origin: germline. Inheritance: Autosomal dominant inheritance. Observed: 9 variant alleles, 9 heterozygotes.
Comment: This missense variant replaces proline with leucine at codon 81 of the SDHD protein. Computational prediction suggests that this variant may have deleterious impact on protein structure and function (internally defined REVEL score threshold >= 0.7, PMID: 27666373). Functional studies have shown that succinate dehydrogenase complexes with this SDHD variant exhibit lower SDH enzyme activity observed via a higher succinate to fumarate metabolite ratio (PMID: 24758185, 25014000, 30050099). This variant has been reported in numerous individuals affected with pheochromocytoma/paraganglioma (PMID: 8981955, 10657297, 11343322, 11391796, 11391798, 11897817, 12811540, 14974914, 15235042, 15328326, 15479192, 17102085, 19454582, 21937622, 21348866, 22290790, 22575350, 23433498, 23666964, 24436918, 24102379, 25326637, 25494863, 25695889, 29386252, 29625052, 29681642, 29777207, 30050099, 30375904, 31492822). It has been also shown that this variant segregates with disease (PMID: 8981955, 11391796, 11897817, 15479192, 22575350, 25695889). This variant has been identified in 6/282810 chromosomes in the general population by the Genome Aggregation Database (gnomAD). Based on the available evidence, this variant is classified as Pathogenic.

This study involves interpretation of variants in research participants for the purpose of population health screening. Participant phenotype was not available at the time of variant classification. Additional details can be found in publication PMID: 35346344, PMCID: PMC8962531

Genomic Medicine Center of Excellence, King Faisal Specialist Hospital and Research Centre
Classification: Pathogenic for Pheochromocytoma/paraganglioma syndrome 1. Last evaluated: 2024-03-29. Review status: criteria provided, single submitter. Criteria: ACMG Guidelines, 2015. Collection method: clinical testing. Allele origin: germline.

Baylor Genetics
Classification: Pathogenic for Mitochondrial complex 2 deficiency, nuclear type 3. Last evaluated: 2024-03-09. Review status: criteria provided, single submitter. Criteria: ACMG Guidelines, 2015. Collection method: clinical testing. Allele origin: unknown.

Myriad Genetics, Inc.
Classification: Pathogenic for Pheochromocytoma/paraganglioma syndrome 1. Last evaluated: 2024-02-09. Review status: criteria provided, single submitter. Criteria: Myriad Autosomal Dominant, Autosomal Recessive and X-Linked Classification Criteria (2023). Collection method: clinical testing. Allele origin: unknown.
Comment: This variant is considered pathogenic. Functional studies indicate this variant impacts protein function [PMID: 24758185, 28179334, 30050099]. This variant has been reported in multiple individuals with clinical features of gene-specific disease [PMID: 29386252, 30877234, 30050099, 32098148].